The following is an entry in ClinVar:

NM_016580.4(PCDH12):c.1676A>G (p.Asn559Ser)

Genes: PCDH12 (protocadherin 12; minus strand), RNF14 (ring finger protein 14; plus strand). Cytogenetic location: 5q31.3.
Variant type: single nucleotide variant.
Coding change: c.1676A>G on transcript NM_016580.4 (MANE Select); coding-DNA position 1676, A replaced by G.
Protein change: p.Asn559Ser; replaces asparagine 559 with serine.
Molecular consequence: missense variant.
Genome position (GRCh38, 1-based): chr5:141,956,176, T>C on the plus strand (A>G on the coding strand, the complement: PCDH12 is on the minus strand). VCF-style: chr5-141956176-T-C. GRCh37 (hg19) VCF-style: chr5-141335741-T-C.
Other names: c.1676A>G (NM_016580.2); short protein forms N559S.
Identifiers: ClinVar variation 1351106 (VCV001351106.7), dbSNP rs377507092, ClinGen allele CA128480165.

ClinVar aggregate classification (germline): Uncertain significance. Review status: criteria provided, multiple submitters, no conflicts (2 of 4 stars). 2 submissions from 2 submitters: Uncertain significance (2). Last evaluated 2023-07-07.

Conditions:
Inborn genetic diseases. Identifiers: MedGen C0950123, MeSH D030342.

Allele frequency attached by ClinVar (database versions not stated): gnomAD exomes below 0.00001; gnomAD 0.00002; TOPMed 0.00002; ESP Exome Variant Server 0.00008.
gnomAD v4.1: 5 of 1,614,054 alleles (0.00031%); highest among the groups gnomAD compares: Middle Eastern, 0.016%; no homozygotes.

Submissions (2):

Labcorp Genetics (formerly Invitae), Labcorp
Classification: Uncertain significance. Last evaluated: 2023-07-07. Review status: criteria provided, single submitter. Criteria: Invitae Variant Classification Sherloc (09022015). Collection method: clinical testing. Allele origin: germline.
Comment: In summary, the available evidence is currently insufficient to determine the role of this variant in disease. Therefore, it has been classified as a Variant of Uncertain Significance. This sequence change replaces asparagine, which is neutral and polar, with serine, which is neutral and polar, at codon 559 of the PCDH12 protein (p.Asn559Ser). This variant is not present in population databases (gnomAD no frequency). This variant has not been reported in the literature in individuals affected with PCDH12-related conditions. ClinVar contains an entry for this variant (Variation ID: 1351106). Advanced modeling of protein sequence and biophysical properties (such as structural, functional, and spatial information, amino acid conservation, physicochemical variation, residue mobility, and thermodynamic stability) performed at Invitae indicates that this missense variant is expected to disrupt PCDH12 protein function.

Ambry Genetics
Classification: Uncertain significance for Inborn genetic diseases. Last evaluated: 2023-06-02. Review status: criteria provided, single submitter. Criteria: Ambry Variant Classification Scheme 2023. Collection method: clinical testing. Allele origin: germline.